The following is an entry in ClinVar:

ClinVar aggregate classification (germline): Uncertain significance. Review status: criteria provided, multiple submitters, no conflicts (2 of 4 stars). 2 submissions from 2 submitters: Uncertain significance (2). Last evaluated 2024-12-17.

Conditions:
EGFR-related lung cancer (EGFR). Identifiers: MedGen CN130014.
Hereditary cancer-predisposing syndrome. Also called: Hereditary neoplastic syndrome; Hereditary Cancer Syndrome; Tumor predisposition; Neoplastic Syndromes, Hereditary. Identifiers: Orphanet 140162, MedGen C0027672, MeSH D009386, MONDO:0015356.

gnomAD v4.1: 6 of 1,614,160 alleles (0.00037%); highest among the groups gnomAD compares: South Asian, 0.0022%; no homozygotes.

Submissions (2):

Ambry Genetics
Classification: Uncertain significance for Hereditary cancer-predisposing syndrome. Last evaluated: 2024-12-17. Review status: criteria provided, single submitter. Criteria: Ambry Variant Classification Scheme 2023. Collection method: clinical testing. Allele origin: germline.
Comment: The p.R977C variant (also known as c.2929C>T), located in coding exon 24 of the EGFR gene, results from a C to T substitution at nucleotide position 2929. The arginine at codon 977 is replaced by cysteine, an amino acid with highly dissimilar properties. This amino acid position is highly conserved in available vertebrate species. In addition, the in silico prediction for this alteration is inconclusive. Based on the available evidence, the clinical significance of this variant remains unclear.

Labcorp Genetics (formerly Invitae), Labcorp
Classification: Uncertain significance for EGFR-related lung cancer. Last evaluated: 2024-06-04. Review status: criteria provided, single submitter. Criteria: Invitae Variant Classification Sherloc (09022015). Collection method: clinical testing. Allele origin: germline.
Comment: This sequence change replaces arginine, which is basic and polar, with cysteine, which is neutral and slightly polar, at codon 977 of the EGFR protein (p.Arg977Cys). This variant is not present in population databases (gnomAD no frequency). This variant has not been reported in the literature in individuals affected with EGFR-related conditions. ClinVar contains an entry for this variant (Variation ID: 2136540). Advanced modeling of protein sequence and biophysical properties (such as structural, functional, and spatial information, amino acid conservation, physicochemical variation, residue mobility, and thermodynamic stability) performed at Invitae indicates that this missense variant is expected to disrupt EGFR protein function with a positive predictive value of 80%. In summary, the available evidence is currently insufficient to determine the role of this variant in disease. Therefore, it has been classified as a Variant of Uncertain Significance.

NM_005228.5(EGFR):c.2929C>T (p.Arg977Cys)

Gene: EGFR (epidermal growth factor receptor; plus strand). Cytogenetic location: 7p11.2.
Variant type: single nucleotide variant.
Coding change: c.2929C>T on transcript NM_005228.5 (MANE Select); coding-DNA position 2929, C replaced by T.
Protein change: p.Arg977Cys; replaces arginine 977 with cysteine.
Molecular consequence: missense variant.
Genome position (GRCh38, 1-based): chr7:55,200,396, C>T. VCF-style: chr7-55200396-C-T. GRCh37 (hg19) VCF-style: chr7-55268089-C-T.
Other names: c.2794C>T, p.Arg932Cys (NM_001346897.2, NM_001346899.2); c.2929C>T, p.Arg977Cys (NM_001346898.2); c.2770C>T, p.Arg924Cys (NM_001346900.2); c.2128C>T, p.Arg710Cys (NM_001346941.2); short protein forms R977C, R924C, R932C, R710C.
Identifiers: ClinVar variation 2136540 (VCV002136540.4), dbSNP rs1140476, ClinGen allele CA158937483.